The following is an entry in ClinVar:

ClinVar aggregate classification (germline): Likely pathogenic. Review status: criteria provided, multiple submitters, no conflicts (2 of 4 stars). 5 submissions from 5 submitters: Likely pathogenic (5). Last evaluated 2025-07-14.

Conditions:
Fanconi anemia complementation group O. Also called: RAD51C-Related Fanconi Anemia. Identifiers: Orphanet 84, MedGen C3150653, MONDO:0013248, OMIM 613390.
Breast-ovarian cancer, familial, susceptibility to, 3. Also called: RAD51C-Related Breast/Ovarian Cancer. Identifiers: Orphanet 145, MedGen C3150659, MONDO:0013253, OMIM 613399.
Hereditary cancer-predisposing syndrome. Also called: Tumor predisposition; Hereditary Cancer Syndrome; Neoplastic Syndromes, Hereditary; Hereditary neoplastic syndrome. Identifiers: Orphanet 140162, MedGen C0027672, MeSH D009386, MONDO:0015356.
RAD51C-related disorder. Also called: RAD51C-related disorders; RAD51C-related condition.

Allele frequency attached by ClinVar (database versions not stated): gnomAD exomes below 0.00001; ExAC 0.00001; gnomAD 0.00001; TOPMed 0.00001; ESP Exome Variant Server 0.00008.

Submissions (5):

Ambry Genetics
Classification: Likely pathogenic for Hereditary cancer-predisposing syndrome. Last evaluated: 2025-07-14. Review status: criteria provided, single submitter. Criteria: Ambry Variant Classification Scheme 2023. Collection method: clinical testing. Allele origin: germline.
Comment: The c.572-2A>G intronic variant results from an A to G substitution two nucleotides upstream from coding exon 4 in the RAD51C gene. This nucleotide position is highly conserved in available vertebrate species. In silico splice site analysis predicts that this alteration will weaken the native splice acceptor site; however, direct evidence is insufficient at this time (Ambry internal data). Alterations that disrupt the canonical splice site are expected to cause aberrant splicing, resulting in an abnormal protein or a transcript that is subject to nonsense-mediated mRNA decay. As such, this alteration is classified as likely pathogenic.

Myriad Genetics, Inc.
Classification: Likely pathogenic for Breast-ovarian cancer, familial, susceptibility to, 3. Last evaluated: 2024-01-03. Review status: criteria provided, single submitter. Criteria: Myriad Autosomal Dominant, Autosomal Recessive and X-Linked Classification Criteria (2023). Collection method: clinical testing. Allele origin: unknown.
Comment: This variant is considered likely pathogenic. This variant occurs within a consensus splice junction and is predicted to result in abnormal mRNA splicing of either an out-of-frame exon or an in-frame exon necessary for protein stability and/or normal function.

Labcorp Genetics (formerly Invitae), Labcorp
Classification: Likely pathogenic for Fanconi anemia complementation group O. Last evaluated: 2022-12-24. Review status: criteria provided, single submitter. Criteria: Invitae Variant Classification Sherloc (09022015). Collection method: clinical testing. Allele origin: germline.
Comment: This variant is present in population databases (rs145310733, gnomAD 0.007%). This sequence change affects an acceptor splice site in intron 3 of the RAD51C gene. It is expected to disrupt RNA splicing. Variants that disrupt the donor or acceptor splice site typically lead to a loss of protein function (PMID: 16199547), and loss-of-function variants in RAD51C are known to be pathogenic (PMID: 20400964, 21990120, 24800917). This variant has not been reported in the literature in individuals affected with RAD51C-related conditions. In summary, the currently available evidence indicates that the variant is pathogenic, but additional data are needed to prove that conclusively. Therefore, this variant has been classified as Likely Pathogenic. Algorithms developed to predict the effect of sequence changes on RNA splicing suggest that this variant may disrupt the consensus splice site. ClinVar contains an entry for this variant (Variation ID: 480521).

Baylor Genetics
Classification: Likely pathogenic for Breast-ovarian cancer, familial, susceptibility to, 3. Last evaluated: 2022-08-07. Review status: criteria provided, single submitter. Criteria: ACMG Guidelines, 2015. Collection method: clinical testing. Allele origin: unknown.

Blueprint Genetics
Classification: Likely pathogenic for RAD51C-related disorders. Last evaluated: 2019-09-06. Review status: criteria provided, single submitter. Criteria: ACMG Guidelines, 2015. Collection method: clinical testing. Allele origin: germline. Affected: yes. Observed: 1 variant allele.

Literature cited by the submitters: PubMed 16199547 (cited by Labcorp Genetics (formerly Invitae), Labcorp); PubMed 20400964 (cited by Labcorp Genetics (formerly Invitae), Labcorp); PubMed 21990120 (cited by Labcorp Genetics (formerly Invitae), Labcorp); PubMed 24800917 (cited by Labcorp Genetics (formerly Invitae), Labcorp).

NM_058216.3(RAD51C):c.572-2A>G

Gene: RAD51C (RAD51 paralog C; plus strand). Cytogenetic location: 17q22.
Variant type: single nucleotide variant.
Coding change: c.572-2A>G on transcript NM_058216.3 (MANE Select); the canonical splice acceptor site of the intron before coding-DNA position 572, A replaced by G.
Molecular consequence: splice acceptor variant.
Genome position (GRCh38, 1-based): chr17:58,703,194, A>G. VCF-style: chr17-58703194-A-G. GRCh37 (hg19) VCF-style: chr17-56780555-A-G.
Identifiers: ClinVar variation 480521 (VCV000480521.16), dbSNP rs145310733, ClinGen allele CA8677278.
Genomic context (GRCh38, chr17:58,703,194, plus strand): 5'-TTTCTACAATTGCCAATACATCCAAACAGGTAAAACTAATTAAGAGTGTTTTGTTGTTTC[A>G]GAACACCGAAAAGCTTTGGAGGATTTCACTCTTGATAATATTCTTTCTCATATTTATTAT-3'